The following is an entry in ClinVar:

NM_001943.5(DSG2):c.2263A>G (p.Arg755Gly)

Genes: DSG2 (desmoglein 2; plus strand), DSG2-AS1 (DSG2 antisense RNA 1; minus strand). Cytogenetic location: 18q12.1.
Variant type: single nucleotide variant.
Coding change: c.2263A>G on transcript NM_001943.5 (MANE Select); coding-DNA position 2263, A replaced by G.
Protein change: p.Arg755Gly; replaces arginine 755 with glycine.
Molecular consequence: missense variant.
Genome position (GRCh38, 1-based): chr18:31,542,781, A>G. VCF-style: chr18-31542781-A-G. GRCh37 (hg19) VCF-style: chr18-29122744-A-G.
Other names: c.2263A>G (NM_001943.3); short protein forms R755G.
Identifiers: ClinVar variation 1469122 (VCV001469122.7), dbSNP rs2144353569, ClinGen allele CA402142847.
Genomic context (GRCh38, chr18:31,542,781, plus strand): 5'-GCCACAGGCGCTATCATGACCACTGAAACCACGAAGACCGCAAGGGCCACAGGGGCTTCC[A>G]GAGACATGGCCGGAGCTCAGGCAGCTGCTGTTGCACTGAACGAAGAATTCTTAAGAAATT-3'
Protein context (NP_001934.2, residues 745-765): TKTARATGAS[Arg755Gly]DMAGAQAAAV

ClinVar aggregate classification (germline): Uncertain significance. Review status: criteria provided, multiple submitters, no conflicts (2 of 4 stars). 2 submissions from 2 submitters: Uncertain significance (2). Last evaluated 2025-09-18.

Conditions:
Arrhythmogenic right ventricular dysplasia 10. Also called: Arrhythmogenic Right Ventricular Dysplasia/Cardiomyopathy10; Arrhythmogenic right ventricular dysplasia/cardiomyopathy, type 10; ARRHYTHMOGENIC RIGHT VENTRICULAR DYSPLASIA, FAMILIAL, 10. Identifiers: MedGen C1857777, MONDO:0012434, OMIM 610193.
Cardiovascular phenotype. Identifiers: MedGen CN230736.

Allele frequency attached by ClinVar (database versions not stated): gnomAD exomes 0.00002.
gnomAD v4.1: 20 of 1,609,102 alleles (0.0012%); highest among the groups gnomAD compares: Non-Finnish European, 0.0017%; no homozygotes.

Submissions (2):

Ambry Genetics
Classification: Uncertain significance for Cardiovascular phenotype. Last evaluated: 2025-09-18. Review status: criteria provided, single submitter. Criteria: Ambry Variant Classification Scheme 2023. Collection method: clinical testing. Allele origin: germline.
Comment: The p.R755G variant (also known as c.2263A>G), located in coding exon 14 of the DSG2 gene, results from an A to G substitution at nucleotide position 2263. The arginine at codon 755 is replaced by glycine, an amino acid with dissimilar properties. This amino acid position is conserved. In addition, this alteration is predicted to be tolerated by in silico analysis. Based on the available evidence, the clinical significance of this variant remains unclear.

Labcorp Genetics (formerly Invitae), Labcorp
Classification: Uncertain significance for Arrhythmogenic right ventricular dysplasia 10. Last evaluated: 2021-09-26. Review status: criteria provided, single submitter. Criteria: Invitae Variant Classification Sherloc (09022015). Collection method: clinical testing. Allele origin: germline.
Comment: In summary, the available evidence is currently insufficient to determine the role of this variant in disease. Therefore, it has been classified as a Variant of Uncertain Significance. Algorithms developed to predict the effect of missense changes on protein structure and function output the following: SIFT: "Tolerated"; PolyPhen-2: "Benign"; Align-GVGD: "Class C0". The glycine amino acid residue is found in multiple mammalian species, which suggests that this missense change does not adversely affect protein function. This variant has not been reported in the literature in individuals affected with DSG2-related conditions. This variant is not present in population databases (ExAC no frequency). This sequence change replaces arginine with glycine at codon 755 of the DSG2 protein (p.Arg755Gly). The arginine residue is moderately conserved and there is a moderate physicochemical difference between arginine and glycine.